The following is an entry in ClinVar:

NM_024649.5(BBS1):c.734_735del (p.Pro245fs)

Genes: BBS1 (Bardet-Biedl syndrome 1; plus strand), ZDHHC24 (zDHHC palmitoyltransferase 24; minus strand). Cytogenetic location: 11q13.2.
Variant type: Deletion.
Coding change: c.734_735del on transcript NM_024649.5 (MANE Select); coding-DNA positions 734 to 735, 2 bases deleted (CC; older notation c.734_735delCC).
Protein change: p.Pro245fs; shifts the reading frame from proline 245.
Molecular consequence: frameshift variant. On other transcripts: 3 prime UTR variant (1).
Genome position (GRCh38, 1-based): chr11:66,521,280-66,521,281, CC deleted; deleting any 2 consecutive bases within chr11:66,521,279-66,521,281 gives the same sequence; the c. name uses the placement nearest the transcript's 3' end. VCF-style (leftmost placement, unchanged base first): chr11-66521278-TCC-T. GRCh37 (hg19) VCF-style: chr11-66288749-TCC-T.
Other names: c.*208_*209del (NM_001348571.2); short protein forms P245fs.
Identifiers: ClinVar variation 1726456 (VCV001726456.2), dbSNP rs2495759836, ClinGen allele CA2580084559.

ClinVar aggregate classification (germline): Likely pathogenic (1 of 4 stars; one submission).

Conditions:
Bardet-Biedl syndrome 1 (BBS1). Identifiers: MedGen C2936862, MONDO:0008854, OMIM 209900. Disease mechanism: loss of function.

Submission:

Myriad Genetics, Inc.
Classification: Likely pathogenic for Bardet-Biedl syndrome 1. Last evaluated: 2021-12-17. Review status: criteria provided, single submitter. Criteria: Myriad Women's Health Autosomal Recessive and X-Linked Classification Criteria (2021). Collection method: clinical testing. Allele origin: unknown.
Comment: NM_024649.4(BBS1):c.734_735delCC(P245Qfs*13) is expected to be pathogenic in the context of Bardet-Biedl syndrome, BBS1-related. This variant is predicted to lead to an abnormal or absent protein product due to the creation of a premature termination codon in BBS1, a gene where loss-of-function variants are known to be pathogenic. Please note: this variant was assessed in the context of healthy population screening.